The following is an entry in ClinVar:

NM_172107.4(KCNQ2):c.1057C>T (p.Arg353Cys)

Gene: KCNQ2 (potassium voltage-gated channel subfamily Q member 2; minus strand). Cytogenetic location: 20q13.33.
Variant type: single nucleotide variant.
Coding change: c.1057C>T on transcript NM_172107.4 (MANE Select); coding-DNA position 1057, C replaced by T.
Protein change: p.Arg353Cys; replaces arginine 353 with cysteine.
Molecular consequence: missense variant.
Genome position (GRCh38, 1-based): chr20:63,433,870, G>A on the plus strand (C>T on the coding strand, the complement: KCNQ2 is on the minus strand). VCF-style: chr20-63433870-G-A. GRCh37 (hg19) VCF-style: chr20-62065223-G-A.
Other names: p.R353C:CGC>TGC; c.1057C>T, p.Arg353Cys (NM_004518.6, NM_172106.3, NM_172108.5 and 1 more transcripts); short protein forms R353C.
Identifiers: ClinVar variation 205898 (VCV000205898.13), dbSNP rs118192218, ClinGen allele CA315430.

ClinVar aggregate classification (germline): Pathogenic/Likely pathogenic. Review status: criteria provided, multiple submitters, no conflicts (2 of 4 stars). 4 submissions from 4 submitters: Pathogenic (2); Likely pathogenic (2). Last evaluated 2024-07-30.

Conditions:
Early-infantile DEE. Also called: Ohtahara syndrome; Early infantile epileptic encephalopathy; Early infantile epileptic encephalopathy with suppression bursts. Identifiers: Orphanet 1934, MedGen C0393706, MONDO:0800491.
Seizures, benign familial neonatal, 1. Also called: KCNQ2-Related Self-Limited Familial Neonatal Epilepsy (SLFNE); Seizures, benign neonatal, 1; Benign Neonatal Epilepsy 1; KCNQ2-Related Benign Familial Neonatal Epilepsy. Identifiers: Orphanet 1949, MedGen C3149074, MONDO:0007365, OMIM 121200.

Submissions (4):

Athena Diagnostics
Classification: Likely pathogenic. Last evaluated: 2024-07-30. Review status: criteria provided, single submitter. Criteria: Athena Diagnostics Criteria. Collection method: clinical testing. Allele origin: unknown.
Comment: This variant has not been reported in large, multi-ethnic general populations. This variant has been identified in at least one individual with benign neonatal seizures and at least one individual with epileptic encephalopathy where it appears to occur de novo. Multiple affected individuals have been reported with missense changes at this codon, suggesting this variant also causes disease. Polyphen and MutationTaster predict this amino acid change may be damaging to the protein. At least one other missense variant at this codon is considered to be pathogenic or likely pathogenic, suggesting this variant may also cause disease.

Labcorp Genetics (formerly Invitae), Labcorp
Classification: Pathogenic for Early-infantile DEE. Last evaluated: 2024-06-18. Review status: criteria provided, single submitter. Criteria: Invitae Variant Classification Sherloc (09022015). Collection method: clinical testing. Allele origin: germline.
Comment: This sequence change replaces arginine, which is basic and polar, with cysteine, which is neutral and slightly polar, at codon 353 of the KCNQ2 protein (p.Arg353Cys). This variant is not present in population databases (gnomAD no frequency). This missense change has been observed in individual(s) with clinical features of benign familial neonatal seizures (PMID: 29726930). In at least one individual the variant was observed to be de novo. ClinVar contains an entry for this variant (Variation ID: 205898). Advanced modeling of protein sequence and biophysical properties (such as structural, functional, and spatial information, amino acid conservation, physicochemical variation, residue mobility, and thermodynamic stability) performed at Invitae indicates that this missense variant is expected to disrupt KCNQ2 protein function with a positive predictive value of 95%. This variant disrupts the p.Arg353 amino acid residue in KCNQ2. Other variant(s) that disrupt this residue have been determined to be pathogenic (PMID: 25959266). This suggests that this residue is clinically significant, and that variants that disrupt this residue are likely to be disease-causing. For these reasons, this variant has been classified as Pathogenic.

Duke University Health System Sequencing Clinic, Duke University Health System
Classification: Likely pathogenic for Seizures, benign familial neonatal, 1. Last evaluated: 2023-04-20. Review status: criteria provided, single submitter. Criteria: ACMG Guidelines, 2015. Collection method: research. Allele origin: de novo. Affected: yes.

GeneDx
Classification: Pathogenic. Last evaluated: 2020-12-23. Review status: criteria provided, single submitter. Criteria: GeneDx Variant Classification Process June 2021. Collection method: clinical testing. Allele origin: germline. Affected: yes.
Comment: The majority of missense variants in this gene are considered pathogenic (Stenson et al., 2014); In silico analysis, which includes protein predictors and evolutionary conservation, supports a deleterious effect; Not observed in large population cohorts (Lek et al., 2016); This variant is associated with the following publications: (PMID: 29726930)

Literature cited by the submitters: PubMed 29726930 (cited by Athena Diagnostics and Labcorp Genetics (formerly Invitae), Labcorp); PubMed 35627257 (cited by Athena Diagnostics); PubMed 36380967 (cited by Athena Diagnostics); PubMed 25959266 (cited by Labcorp Genetics (formerly Invitae), Labcorp).